The following is an entry in ClinVar:

NM_001195305.3(BBIP1):c.217G>A (p.Ala73Thr)

Gene: BBIP1 (BBSome interacting protein 1; minus strand). Cytogenetic location: 10q25.2.
Variant type: single nucleotide variant.
Coding change: c.217G>A on transcript NM_001195305.3 (MANE Select); coding-DNA position 217, G replaced by A.
Protein change: p.Ala73Thr; replaces alanine 73 with threonine.
Molecular consequence: missense variant. On other transcripts: 3 prime UTR variant (1).
Genome position (GRCh38, 1-based): chr10:110,900,422, C>T on the plus strand (G>A on the coding strand, the complement: BBIP1 is on the minus strand). VCF-style: chr10-110900422-C-T. GRCh37 (hg19) VCF-style: chr10-112660180-C-T.
Other names: c.217G>A (NM_001195306.1); c.*62G>A (NM_001195304.2); c.217G>A, p.Ala73Thr (NM_001195306.2); c.142G>A, p.Ala48Thr (NM_001195307.2); c.151G>A, p.Ala51Thr (NM_001243783.3); short protein forms A51T, A73T, A48T.
Identifiers: ClinVar variation 1477008 (VCV001477008.9), dbSNP rs2134015678, ClinGen allele CA378388746.
Genomic context (GRCh38, chr10:110,900,422, plus strand): 5'-AGTGGGTTATTTGCCGTTGATCCTTTTCTGCCATTTCTTGTTGGCGAATTGTATTCTGTG[C>T]TGCTTGATGCATTTTCTCTAGTTTTTCCAGAGTCAGAGATTTTAAGGGTAAAAGTTTGGG-3'
Protein context (NP_001182234.1, residues 63-83): LEKLEKMHQA[Ala73Thr]QNTIRQQEMA

ClinVar aggregate classification (germline): Uncertain significance. Review status: criteria provided, multiple submitters, no conflicts (2 of 4 stars). 2 submissions from 2 submitters: Uncertain significance (2). Last evaluated 2026-06-16.

Conditions:
BBIP1-related disorder. Also called: BBIP1-related condition.

Submissions (2):

PreventionGenetics, part of Exact Sciences
Classification: Uncertain significance for BBIP1-related condition. Last evaluated: 2026-06-16. Review status: criteria provided, single submitter. Criteria: ACMG Guidelines, 2015. Collection method: clinical testing. Allele origin: germline.
Comment: The BBIP1 c.217G>A variant is predicted to result in the amino acid substitution p.Ala73Thr. To our knowledge, this variant has not been reported in the literature or in a large population database (gnomAD), indicating this variant is rare. At this time, the clinical significance of this variant is uncertain due to the absence of conclusive functional and genetic evidence.

Labcorp Genetics (formerly Invitae), Labcorp
Classification: Uncertain significance. Last evaluated: 2021-07-04. Review status: criteria provided, single submitter. Criteria: Invitae Variant Classification Sherloc (09022015). Collection method: clinical testing. Allele origin: germline.
Comment: This sequence change replaces alanine with threonine at codon 73 of the BBIP1 protein (p.Ala73Thr). The alanine residue is weakly conserved and there is a small physicochemical difference between alanine and threonine. The frequency data for this variant in the population databases is considered unreliable, as metrics indicate insufficient coverage at this position in the ExAC database. This variant has not been reported in the literature in individuals affected with BBIP1-related conditions. Algorithms developed to predict the effect of missense changes on protein structure and function are either unavailable or do not agree on the potential impact of this missense change (SIFT: "Tolerated"; PolyPhen-2: "Possibly Damaging"; Align-GVGD: "Class C0"). In summary, the available evidence is currently insufficient to determine the role of this variant in disease. Therefore, it has been classified as a Variant of Uncertain Significance.